The following is an entry in ClinVar:

NM_020458.4(TTC7A):c.2205G>C (p.Gln735His)

Gene: TTC7A (tetratricopeptide repeat domain 7A; plus strand). Cytogenetic location: 2p21.
Variant type: single nucleotide variant.
Coding change: c.2205G>C on transcript NM_020458.4 (MANE Select); coding-DNA position 2205, G replaced by C.
Protein change: p.Gln735His; replaces glutamine 735 with histidine.
Molecular consequence: missense variant.
Genome position (GRCh38, 1-based): chr2:47,060,821, G>C. VCF-style: chr2-47060821-G-C. GRCh37 (hg19) VCF-style: chr2-47287960-G-C.
Other names: c.2277G>C, p.Gln759His (NM_001288951.2); c.2103G>C, p.Gln701His (NM_001288953.2); c.1143G>C, p.Gln381His (NM_001288955.2); short protein forms Q381H, Q735H, Q701H, Q759H.
Identifiers: ClinVar variation 2695971 (VCV002695971.1), dbSNP rs2465431669, ClinGen allele CA346714685.

ClinVar aggregate classification (germline): Uncertain significance (1 of 4 stars; one submission).

Conditions:
Multiple gastrointestinal atresias. Also called: FAMILIAL INTESTINAL POLYATRESIA SYNDROME; Multiple intestinal atresia. Identifiers: Orphanet 2300, MedGen C0220744, MONDO:0009465.

Submission:

Labcorp Genetics (formerly Invitae), Labcorp
Classification: Uncertain significance for Multiple gastrointestinal atresias. Last evaluated: 2023-12-02. Review status: criteria provided, single submitter. Criteria: Invitae Variant Classification Sherloc (09022015). Collection method: clinical testing. Allele origin: germline.
Comment: This sequence change replaces glutamine, which is neutral and polar, with histidine, which is basic and polar, at codon 735 of the TTC7A protein (p.Gln735His). This variant is not present in population databases (gnomAD no frequency). This variant has not been reported in the literature in individuals affected with TTC7A-related conditions. Advanced modeling of protein sequence and biophysical properties (such as structural, functional, and spatial information, amino acid conservation, physicochemical variation, residue mobility, and thermodynamic stability) performed at Invitae indicates that this missense variant is not expected to disrupt TTC7A protein function with a negative predictive value of 80%. In summary, the available evidence is currently insufficient to determine the role of this variant in disease. Therefore, it has been classified as a Variant of Uncertain Significance.